The following is an entry in ClinVar:

NM_001009944.3(PKD1):c.8354G>A (p.Gly2785Asp)

Gene: PKD1 (polycystin 1, transient receptor potential channel interacting; minus strand). Cytogenetic location: 16p13.3.
Variant type: single nucleotide variant.
Coding change: c.8354G>A on transcript NM_001009944.3 (MANE Select); coding-DNA position 8354, G replaced by A.
Protein change: p.Gly2785Asp; replaces glycine 2785 with aspartic acid.
Molecular consequence: missense variant.
Genome position (GRCh38, 1-based): chr16:2,103,703, C>T on the plus strand (G>A on the coding strand, the complement: PKD1 is on the minus strand). VCF-style: chr16-2103703-C-T. GRCh37 (hg19) VCF-style: chr16-2153704-C-T.
Other names: c.8354G>A, p.Gly2785Asp (NM_000296.4); short protein forms G2785D.
Identifiers: ClinVar variation 3252821 (VCV003252821.4), dbSNP rs2544745312.

ClinVar aggregate classification (germline): Conflicting classifications of pathogenicity. Review status: criteria provided, conflicting classifications (1 of 4 stars). 4 submissions from 4 submitters: Likely pathogenic (2); Uncertain significance (2). Last evaluated 2026-05-14.

Conditions:
Polycystic kidney disease, adult type (PKD1). Also called: Polycystic Kidney Disease 1, Autosomal Dominant; Polycystic kidney disease 1; Polycystic kidney disease 1, severe; POLYCYSTIC KIDNEY DISEASE, ADULT, TYPE I; Polycystic Kidney, Autosomal Dominant; POLYCYSTIC KIDNEY DISEASE 1 WITH OR WITHOUT POLYCYSTIC LIVER DISEASE. Identifiers: MedGen C3149841, MONDO:0008263, OMIM 173900.
PKD1-related disorder. Also called: PKD1-related condition.

Submissions (4):

Victorian Clinical Genetics Services, Murdoch Childrens Research Institute
Classification: Uncertain significance for Polycystic kidney disease, adult type. Last evaluated: 2026-05-14. Review status: criteria provided, single submitter. Criteria: ACMG Guidelines, 2015. Collection method: clinical testing. Allele origin: germline. Affected: yes.
Comment: This variant is classified as VUS-3A. Evidence in support of pathogenic classification: Variant is absent from gnomAD (v2, v3 and v4); This variant has moderate previous evidence of pathogenicity in unrelated individuals. This variant has been classified as likely pathogenic and VUS by clinical laboratories in ClinVar, and reported in the literature in individuals with ADPKD (PMID: 26823553) and nephrotic disease (PMCID: PMC11627200); Another missense variant comparable to the one identified in this case has limited previous evidence for pathogenicity. p.(Gly2785Arg) has been classified as VUS by a clinical laboratory in ClinVar, and identified in an individual with cystic kidney disease, where it was found to be de novo (VCGS cohort). Additional information: Variant is predicted to result in a missense amino acid change from Gly to Asp; This variant is heterozygous; This gene is associated with autosomal dominant disease. Polycystic kidney disease 1 (MIM#173900) is predominantly caused by monoallelic variants, with rare reports of biallelic variants causing disease (OMIM); Alternative amino acid change(s) at the same position are present in gnomAD (highest allele count: v4: 2 heterozygote(s), 0 homozygote(s)); No published evidence of segregation with disease has been identified for this variant; Variant is not located in an established domain, motif, hotspot or informative constraint region; Missense variant with inconclusive in silico prediction and/or uninformative conservation; Loss of function is a known mechanism of disease in this gene and is associated with polycystic kidney disease 1 (MIM#173900); Inheritance information for this variant is not currently available in this individual.

PreventionGenetics, part of Exact Sciences
Classification: Likely pathogenic for PKD1-related condition. Last evaluated: 2026-03-16. Review status: criteria provided, single submitter. Criteria: ACMG Guidelines, 2015. Collection method: clinical testing. Allele origin: germline.
Comment: The PKD1 c.8354G>A variant is predicted to result in the amino acid substitution p.Gly2785Asp. This variant has been reported to segregate with autosomal dominant polycystic kidney disease (ADPKD) (McCluskey et al. 2002. PubMed ID: 11857740; Suppl. Table 2, Heyer et al. 2016. PubMed ID: 26823553). Of note, a different rare substitution at the same codon, defined as c.8353G>C (p.Gly2785Arg), was reported in individuals with ADPKD (Suppl. Table 2, Jin et al. 2016. PubMed ID: 27782177). The c.8354G>A (p.Gly2785Asp) variant has not been reported in a large population database (gnomAD), indicating this variant is rare. This variant is interpreted as likely pathogenic.

Fulgent Genetics
Classification: Likely pathogenic for Polycystic kidney disease, adult type. Last evaluated: 2024-05-30. Review status: criteria provided, single submitter. Criteria: ACMG Guidelines, 2015. Collection method: clinical testing. Allele origin: germline.

GeneDx
Classification: Uncertain significance. Last evaluated: 2023-12-19. Review status: criteria provided, single submitter. Criteria: GeneDx Variant Classification Process June 2021. Collection method: clinical testing. Allele origin: germline. Affected: yes.
Comment: Not observed at significant frequency in large population cohorts (gnomAD); In silico analysis supports that this missense variant has a deleterious effect on protein structure/function; This variant is associated with the following publications: (PMID: 25525159, 11857740)

Literature cited by the submitters: PubMed 26823553 (cited by Victorian Clinical Genetics Services, Murdoch Childrens Research Institute).